The following is an entry in ClinVar:

ClinVar aggregate classification (germline): Uncertain significance. Review status: criteria provided, multiple submitters, no conflicts (2 of 4 stars). 5 submissions from 5 submitters: Uncertain significance (5). Last evaluated 2026-03-30.

Conditions:
Inborn genetic diseases. Identifiers: MedGen C0950123, MeSH D030342.
Deafness-lymphedema-leukemia syndrome. Also called: Lymphedema, primary, with myelodysplasia; Emberger syndrome. Identifiers: Orphanet 3226, MedGen C3279664, MONDO:0013540, OMIM 614038.
Monocytopenia with susceptibility to infections. Also called: Dendritic cell, monocyte, B lymphocyte, and natural killer lymphocyte deficiency; MONOCYTOPENIA AND MYCOBACTERIAL INFECTION SYNDROME; MONOCYTOPENIA WITH SUSCEPTIBILITY TO MYCOBACTERIAL, FUNGAL, AND PAPILLOMAVIRUS INFECTIONS AND MYELODYSPLASIA; COMBINED IMMUNODEFICIENCY WITH SUSCEPTIBILITY TO MYCOBACTERIAL, VIRAL, AND FUNGAL INFECTIONS; GATA2 DEFICIENCY; IMMUNODEFICIENCY 21. Identifiers: Orphanet 228423, MedGen C3280030, MONDO:0013607, OMIM 614172.
Acute myeloid leukemia (AML). Also called: Acute myeloid leukemia, adult; AML adult; Acute non-lymphocytic leukemia; Acute granulocytic leukemia; Leukemia, acute myelogenous, somatic; Leukemia, acute myeloid, somatic. Identifiers: Orphanet 519, MedGen C0023467, MeSH D015470, MONDO:0018874, OMIM 601626, HP:0004808. Disease mechanism: Constitutively activated FLT3.

Allele frequency attached by ClinVar (database versions not stated): gnomAD exomes below 0.00001; TOPMed below 0.00001; gnomAD 0.00001.
gnomAD v4.1: 2 of 1,613,956 alleles (0.00012%); highest among the groups gnomAD compares: Non-Finnish European, 0.00017%; no homozygotes.

Submissions (5):

Ambry Genetics
Classification: Uncertain significance for Inborn genetic diseases. Last evaluated: 2026-03-30. Review status: criteria provided, single submitter. Criteria: Ambry Variant Classification Scheme 2023. Collection method: clinical testing. Allele origin: germline.
Comment: The p.L233P variant (also known as c.698T>C), located in coding exon 2 of the GATA2 gene, results from a T to C substitution at nucleotide position 698. The leucine at codon 233 is replaced by proline, an amino acid with similar properties. This amino acid position is highly conserved in available vertebrate species. In addition, this alteration is predicted to be deleterious by in silico analysis. Based on the available evidence, the clinical significance of this variant remains unclear.

GeneDx
Classification: Uncertain significance. Last evaluated: 2024-12-03. Review status: criteria provided, single submitter. Criteria: GeneDx Variant Classification Process June 2021. Collection method: clinical testing. Allele origin: germline. Affected: yes.
Comment: Not observed at significant frequency in large population cohorts (gnomAD); In silico analysis indicates that this missense variant does not alter protein structure/function; Has not been previously published as pathogenic or benign to our knowledge

Labcorp Genetics (formerly Invitae), Labcorp
Classification: Uncertain significance for Monocytopenia with susceptibility to infections; Deafness-lymphedema-leukemia syndrome. Last evaluated: 2024-02-14. Review status: criteria provided, single submitter. Criteria: Invitae Variant Classification Sherloc (09022015). Collection method: clinical testing. Allele origin: germline.
Comment: This sequence change replaces leucine, which is neutral and non-polar, with proline, which is neutral and non-polar, at codon 233 of the GATA2 protein (p.Leu233Pro). This variant is not present in population databases (gnomAD no frequency). This variant has not been reported in the literature in individuals affected with GATA2-related conditions. ClinVar contains an entry for this variant (Variation ID: 1041518). Advanced modeling of protein sequence and biophysical properties (such as structural, functional, and spatial information, amino acid conservation, physicochemical variation, residue mobility, and thermodynamic stability) has been performed at Invitae for this missense variant, however the output from this modeling did not meet the statistical confidence thresholds required to predict the impact of this variant on GATA2 protein function. In summary, the available evidence is currently insufficient to determine the role of this variant in disease. Therefore, it has been classified as a Variant of Uncertain Significance.

Baylor Genetics
Classification: Uncertain significance for Acute myeloid leukemia. Last evaluated: 2023-12-01. Review status: criteria provided, single submitter. Criteria: ACMG Guidelines, 2015. Collection method: clinical testing. Allele origin: unknown.

AiLife Diagnostics
Classification: Uncertain significance. Last evaluated: 2022-03-17. Review status: criteria provided, single submitter. Criteria: ACMG Guidelines, 2015. Collection method: clinical testing. Allele origin: germline. Affected: yes. Observed: 1 variant allele.

NM_032638.5(GATA2):c.698T>C (p.Leu233Pro)

Gene: GATA2 (GATA binding protein 2; minus strand). Cytogenetic location: 3q21.3.
Variant type: single nucleotide variant.
Coding change: c.698T>C on transcript NM_032638.5 (MANE Select); coding-DNA position 698, T replaced by C.
Protein change: p.Leu233Pro; replaces leucine 233 with proline.
Molecular consequence: missense variant.
Genome position (GRCh38, 1-based): chr3:128,485,900, A>G on the plus strand (T>C on the coding strand, the complement: GATA2 is on the minus strand). VCF-style: chr3-128485900-A-G. GRCh37 (hg19) VCF-style: chr3-128204743-A-G.
Other names: c.698T>C, p.Leu233Pro (NM_001145661.2, NM_001145662.1); c.698T>C (NM_032638.4); short protein forms L233P.
Identifiers: ClinVar variation 1041518 (VCV001041518.13), dbSNP rs1377041124, ClinGen allele CA354406226.